The following is an entry in ClinVar:

NM_000179.3(MSH6):c.1810G>A (p.Glu604Lys)

Gene: MSH6 (mutS homolog 6; plus strand). Cytogenetic location: 2p16.3.
Variant type: single nucleotide variant.
Coding change: c.1810G>A on transcript NM_000179.3 (MANE Select); coding-DNA position 1810, G replaced by A.
Protein change: p.Glu604Lys; replaces glutamic acid 604 with lysine.
Molecular consequence: missense variant.
Genome position (GRCh38, 1-based): chr2:47,799,793, G>A. VCF-style: chr2-47799793-G-A. GRCh37 (hg19) VCF-style: chr2-48026932-G-A.
Other names: c.1420G>A, p.Glu474Lys (NM_001281492.2); c.904G>A, p.Glu302Lys (NM_001281493.2, NM_001281494.2); short protein forms E302K, E474K, E604K.
Identifiers: ClinVar variation 835660 (VCV000835660.12), dbSNP rs1669375976, ClinGen allele CA346749379.
Genomic context (GRCh38, chr2:47,799,793, plus strand): 5'-ACTCTAGTGGCACACTATCCCCCAGTACAAGTTTTATTTGAAAAAGGAAATCTCTCAAAG[G>A]AAACTAAAACAATTCTAAAGAGTTCATTGTCCTGTTCTCTTCAGGAAGGTCTGATACCCG-3'
Protein context (NP_000170.1, residues 594-614): VLFEKGNLSK[Glu604Lys]TKTILKSSLS

ClinVar aggregate classification (germline): Uncertain significance. Review status: criteria provided, multiple submitters, no conflicts (2 of 4 stars). 2 submissions from 2 submitters: Uncertain significance (2). Last evaluated 2022-12-07.

Conditions:
Hereditary cancer-predisposing syndrome. Also called: Hereditary neoplastic syndrome; Neoplastic Syndromes, Hereditary; Tumor predisposition; Hereditary Cancer Syndrome. Identifiers: Orphanet 140162, MedGen C0027672, MeSH D009386, MONDO:0015356.
Hereditary nonpolyposis colorectal neoplasms. Identifiers: MedGen C0009405, MeSH D003123.

Submissions (2):

Ambry Genetics
Classification: Uncertain significance for Hereditary cancer-predisposing syndrome. Last evaluated: 2022-12-07. Review status: criteria provided, single submitter. Criteria: Ambry Variant Classification Scheme 2023. Collection method: clinical testing. Allele origin: germline.
Comment: The p.E604K variant (also known as c.1810G>A), located in coding exon 4 of the MSH6 gene, results from a G to A substitution at nucleotide position 1810. The glutamic acid at codon 604 is replaced by lysine, an amino acid with similar properties. This amino acid position is well conserved through mammals but not in all available vertebrate species. In addition, the in silico prediction for this alteration is inconclusive. Since supporting evidence is limited at this time, the clinical significance of this alteration remains unclear.

Labcorp Genetics (formerly Invitae), Labcorp
Classification: Uncertain significance for Hereditary nonpolyposis colorectal neoplasms. Last evaluated: 2019-01-20. Review status: criteria provided, single submitter. Criteria: Invitae Variant Classification Sherloc (09022015). Collection method: clinical testing. Allele origin: germline.
Comment: In summary, the available evidence is currently insufficient to determine the role of this variant in disease. Therefore, it has been classified as a Variant of Uncertain Significance. Algorithms developed to predict the effect of missense changes on protein structure and function (SIFT, PolyPhen-2, Align-GVGD) all suggest that this variant is likely to be tolerated, but these predictions have not been confirmed by published functional studies and their clinical significance is uncertain. This variant has not been reported in the literature in individuals with MSH6-related conditions. This variant is not present in population databases (ExAC no frequency). This sequence change replaces glutamic acid with lysine at codon 604 of the MSH6 protein (p.Glu604Lys). The glutamic acid residue is weakly conserved and there is a small physicochemical difference between glutamic acid and lysine.